The following is an entry in ClinVar:

GRCh38/hg38 16p13.3(chr16:4490463-4815780)x1

Genes: ANKS3 (ankyrin repeat and sterile alpha motif domain containing 3; minus strand), C16orf96 (chromosome 16 open reading frame 96; plus strand), CDIP1 (cell death inducing p53 target 1; minus strand), DNAAF8 (dynein axonemal assembly factor 8; plus strand), GLYR1 (glyoxylate reductase 1 homolog; minus strand) and 27 more. Cytogenetic location: 16p13.3.
Variant type: copy number loss.
Change: copy number 1 (one copy instead of two) of chr16:4,490,463-4,815,780 (325.3 kb, GRCh38 coordinates, 1-based), cytogenetic band 16p13.3.
Identifiers: ClinVar variation 57415 (VCV000057415.1).

ClinVar aggregate classification (germline): Uncertain significance (1 of 4 stars; one submission).

Submission:

ISCA site 4
Classification: Uncertain significance. Last evaluated: 2011-08-12. Review status: criteria provided, single submitter. Criteria: Kaminsky et al. (Genet Med. 2011). Collection method: clinical testing. Allele origin: paternal. Affected: yes. Observed: 1 variant allele.
Comment: Copy number variation identified through the course of routine clinical cytogenomic testing in postnatal populations. Clinical assertions have been curated as described in Kaminsky et al. 2011.